The following is an entry in ClinVar:

NM_152468.5(TMC8):c.669-2A>C

Gene: TMC8 (transmembrane channel like 8; plus strand). Cytogenetic location: 17q25.3.
Variant type: single nucleotide variant.
Coding change: c.669-2A>C on transcript NM_152468.5 (MANE Select); the canonical splice acceptor site of the intron before coding-DNA position 669, A replaced by C.
Molecular consequence: splice acceptor variant.
Genome position (GRCh38, 1-based): chr17:78,133,851, A>C. VCF-style: chr17-78133851-A-C. GRCh37 (hg19) VCF-style: chr17-76129932-A-C.
Identifiers: ClinVar variation 967152 (VCV000967152.1), dbSNP rs2075127396, ClinGen allele CA401243831.
Genomic context (GRCh38, chr17:78,133,851, plus strand): 5'-AGGCTGAGGCTGGATGGTAGAGGTGCCCCTCCTCCAGCAGCCCCTGGTCTCCTGCCCCGC[A>C]GGATGGTGAAGGGGCTGCCGCAGAAGACTCTGCTGGGTCAGGGCTATCAGGCGCCTCTCA-3'

ClinVar aggregate classification (germline): Likely pathogenic (1 of 4 stars; one submission).

Conditions:
Epidermodysplasia verruciformis. Identifiers: Orphanet 302, MedGen C0014522, MONDO:0009176.

Submission:

Labcorp Genetics (formerly Invitae), Labcorp
Classification: Likely pathogenic for Epidermodysplasia verruciformis. Last evaluated: 2019-11-15. Review status: criteria provided, single submitter. Criteria: Invitae Variant Classification Sherloc (09022015). Collection method: clinical testing. Allele origin: germline.
Comment: This sequence change affects an acceptor splice site in intron 6 of the TMC8 gene. It is expected to disrupt RNA splicing and likely results in an absent or disrupted protein product. This variant is not present in population databases (ExAC no frequency). This variant has been observed in individual(s) with epidermodysplasia verruciformis (PMID: Invitae). Algorithms developed to predict the effect of sequence changes on RNA splicing suggest that this variant may disrupt the consensus splice site, but this prediction has not been confirmed by published transcriptional studies. Donor and acceptor splice site variants typically lead to a loss of protein function (PMID: 16199547), and loss-of-function variants in TMC8 are known to be pathogenic (PMID: 12426567, 22158547). In summary, the currently available evidence indicates that the variant is pathogenic, but additional data are needed to prove that conclusively. Therefore, this variant has been classified as Likely Pathogenic.

Literature cited by the submitters: PubMed 12426567; PubMed 22158547.